The following is an entry in ClinVar:

ClinVar aggregate classification (germline): Likely benign. Review status: criteria provided, multiple submitters, no conflicts (2 of 4 stars). 2 submissions from 2 submitters: Likely benign (2). Last evaluated 2018-06-16.

Allele frequency attached by ClinVar (database versions not stated): 1000 Genomes Project 0.01018; gnomAD 0.01295 and 0.01381; TOPMed 0.01338; gnomAD exomes 0.01986.
gnomAD v4.1: 9,749 of 539,742 alleles (1.8%); highest among the groups gnomAD compares: South Asian, 4.6%; 163 homozygotes.

Submissions (2):

GeneDx
Classification: Likely benign. Last evaluated: 2018-06-16. Review status: criteria provided, single submitter. Criteria: GeneDx Variant Classification (06012015). Collection method: clinical testing. Allele origin: germline. Affected: yes.
Comment: This variant is considered likely benign or benign based on one or more of the following criteria: it is a conservative change, it occurs at a poorly conserved position in the protein, it is predicted to be benign by multiple in silico algorithms, and/or has population frequency not consistent with disease.

Breakthrough Genomics
Classification: Likely benign. Review status: criteria provided, single submitter. Criteria: ACMG Guidelines, 2015. Collection method: not provided. Allele origin: germline. Inheritance: Autosomal recessive inheritance. Affected: yes.

NM_006736.6(DNAJB2):c.175+228A>G

Gene: DNAJB2 (DnaJ heat shock protein family (Hsp40) member B2; plus strand). Cytogenetic location: 2q35.
Variant type: single nucleotide variant.
Coding change: c.175+228A>G on transcript NM_006736.6 (MANE Select); 228 bases into the intron after coding-DNA position 175, A replaced by G.
Molecular consequence: intron variant.
Genome position (GRCh38, 1-based): chr2:219,280,915, A>G. VCF-style: chr2-219280915-A-G. GRCh37 (hg19) VCF-style: chr2-220145637-A-G.
Other names: c.175+228A>G (NM_001039550.2).
Identifiers: ClinVar variation 672531 (VCV000672531.2), dbSNP rs115665065, ClinGen allele CA65957276.